The following is an entry in ClinVar:

NM_025114.4(CEP290):c.5391T>C (p.Asn1797=)

Gene: CEP290 (centrosomal protein 290; minus strand). Cytogenetic location: 12q21.32.
Variant type: single nucleotide variant.
Coding change: c.5391T>C on transcript NM_025114.4 (MANE Select); coding-DNA position 5391, T replaced by C.
Protein change: p.Asn1797=; no amino-acid change (asparagine 1797 retained).
Molecular consequence: synonymous variant.
Genome position (GRCh38, 1-based): chr12:88,077,892, A>G on the plus strand (T>C on the coding strand, the complement: CEP290 is on the minus strand). VCF-style: chr12-88077892-A-G. GRCh37 (hg19) VCF-style: chr12-88471669-A-G.
Identifiers: ClinVar variation 734776 (VCV000734776.12), dbSNP rs1034544936, ClinGen allele CA241153457.

ClinVar aggregate classification (germline): Likely benign. Review status: criteria provided, multiple submitters, no conflicts (2 of 4 stars). 3 submissions from 3 submitters: Likely benign (2). 1 of the submissions does not count toward it. Last evaluated 2025-04-23.

Conditions:
Leber congenital amaurosis (LCA). Also called: Leber's amaurosis. Identifiers: Orphanet 65, MedGen C0339527, MeSH D057130, MONDO:0018998.
Meckel-Gruber syndrome. Also called: GRUBER SYNDROME; Dysencephalia splachnocystica; DYSENCEPHALIA SPLANCHNOCYSTICA. Identifiers: Orphanet 564, MedGen C0265215, MONDO:0018921.
Nephronophthisis. Also called: Juvenile Nephronophthisis. Identifiers: Orphanet 655, MedGen C0687120, MONDO:0019005, HP:0000090.
Joubert syndrome. Also called: Familial aplasia of the vermis; JOUBERT-BOLTSHAUSER SYNDROME. Identifiers: Orphanet 475, MedGen C5979921, MONDO:0018772.
CEP290-related disorder. Also called: CEP290-related disorders; CEP290-related condition. Identifiers: MedGen CN239314.

gnomAD v4.1: 2 of 1,357,618 alleles (0.00015%); no homozygotes.

Submissions (3):

PreventionGenetics, part of Exact Sciences
Classification: Likely benign for CEP290-related condition. Last evaluated: 2025-04-23. Review status: criteria provided, single submitter. Criteria: ACMG Guidelines, 2015. Collection method: clinical testing. Allele origin: germline.
Comment: This variant is classified as likely benign based on ACMG/AMP sequence variant interpretation guidelines (Richards et al. 2015 PMID: 25741868, with internal and published modifications).

Labcorp Genetics (formerly Invitae), Labcorp
Classification: Likely benign for Joubert syndrome; Meckel-Gruber syndrome; Nephronophthisis. Last evaluated: 2024-08-28. Review status: criteria provided, single submitter. Criteria: Invitae Variant Classification Sherloc (09022015). Collection method: clinical testing. Allele origin: germline.

Natera, Inc.
Classification: Likely benign for Leber congenital amaurosis. Last evaluated: 2020-10-09. Review status: no assertion criteria provided. Collection method: clinical testing. Allele origin: germline. Not counted in ClinVar's aggregate classification.